The following is an entry in ClinVar:

ClinVar aggregate classification (germline): Benign. Review status: criteria provided, multiple submitters, no conflicts (2 of 4 stars). 7 submissions from 6 submitters: Benign (7). Last evaluated 2026-02-04.

Conditions:
Achromatopsia. Also called: Rod monochromatism. Identifiers: Orphanet 49382, MedGen C0152200, MONDO:0018852, HP:0011516.
Cone dystrophy 4 (COD4). Identifiers: Orphanet 49382, MedGen C2751308, MONDO:0013129, OMIM 613093.

Allele frequency attached by ClinVar (database versions not stated): 1000 Genomes Project 30x 0.04263; 1000 Genomes Project 0.04293; TOPMed 0.06836; gnomAD 0.07019 and 0.07060; ESP Exome Variant Server 0.07212; ExAC 0.07786.
gnomAD v4.1: 147,445 of 1,614,046 alleles (9.1%); highest among the groups gnomAD compares: Middle Eastern, 12%; 7,458 homozygotes.

Submissions (7):

Labcorp Genetics (formerly Invitae), Labcorp
Classification: Benign. Last evaluated: 2026-02-04. Review status: criteria provided, single submitter. Criteria: Invitae Variant Classification Sherloc (09022015). Collection method: clinical testing. Allele origin: germline.

GeneDx
Classification: Benign. Last evaluated: 2018-12-18. Review status: criteria provided, single submitter. Criteria: GeneDx Variant Classification Process June 2021. Collection method: clinical testing. Allele origin: germline. Affected: yes.

Illumina Laboratory Services, Illumina
Classification: Benign for Achromatopsia. Last evaluated: 2018-01-13. Review status: criteria provided, single submitter. Criteria: ICSL Variant Classification Criteria 13 December 2019. Collection method: clinical testing. Allele origin: germline.
Comment: This variant was observed in the ICSL laboratory as part of a predisposition screen in an ostensibly healthy population. It had not been previously curated by ICSL or reported in the Human Gene Mutation Database (HGMD: prior to June 1st, 2018), and was therefore a candidate for classification through an automated scoring system. Utilizing variant allele frequency, disease prevalence and penetrance estimates, and inheritance mode, an automated score was calculated to assess if this variant is too frequent to cause the disease. Based on the score and internal cut-off values, a variant classified as benign is not then subjected to further curation. The score for this variant resulted in a classification of benign for this disease.

Illumina Laboratory Services, Illumina
Classification: Benign for Cone dystrophy 4. Last evaluated: 2018-01-13. Review status: criteria provided, single submitter. Criteria: ICSL Variant Classification Criteria 13 December 2019. Collection method: clinical testing. Allele origin: germline.
Comment: the same text as in the submission from Illumina Laboratory Services, Illumina above.

Eurofins Ntd Llc (ga)
Classification: Benign. Last evaluated: 2013-09-19. Review status: criteria provided, single submitter. Criteria: EGL Classification Definitions 2015. Collection method: clinical testing. Allele origin: germline. Observed: 2 variant alleles, 2 heterozygotes.

Breakthrough Genomics
Classification: Benign. Review status: criteria provided, single submitter. Criteria: ACMG Guidelines, 2015. Collection method: not provided. Allele origin: germline. Inheritance: Autosomal recessive inheritance. Affected: yes.

PreventionGenetics, part of Exact Sciences
Classification: Benign. Review status: criteria provided, single submitter. Criteria: ACMG Guidelines, 2015. Collection method: clinical testing. Allele origin: germline.

NM_006204.4(PDE6C):c.282C>T (p.Asp94=)

Gene: PDE6C (phosphodiesterase 6C; plus strand). Cytogenetic location: 10q23.33.
Variant type: single nucleotide variant.
Coding change: c.282C>T on transcript NM_006204.4 (MANE Select); coding-DNA position 282, C replaced by T.
Protein change: p.Asp94=; no amino-acid change (aspartic acid 94 retained).
Molecular consequence: synonymous variant.
Genome position (GRCh38, 1-based): chr10:93,613,007, C>T. VCF-style: chr10-93613007-C-T. GRCh37 (hg19) VCF-style: chr10-95372764-C-T.
Identifiers: ClinVar variation 95347 (VCV000095347.22), dbSNP rs12781149, ClinGen allele CA148459.